The following is an entry in ClinVar:

ClinVar aggregate classification (germline): Uncertain significance (1 of 4 stars; one submission).

Allele frequency attached by ClinVar (database versions not stated): gnomAD 0.00001; gnomAD exomes 0.00001 and 0.00002; ExAC 0.00002; TOPMed 0.00003.
gnomAD v4.1: 23 of 1,613,760 alleles (0.0014%); highest among the groups gnomAD compares: Middle Eastern, 0.016%; no homozygotes.

Submission:

Labcorp Genetics (formerly Invitae), Labcorp
Classification: Uncertain significance. Last evaluated: 2021-08-27. Review status: criteria provided, single submitter. Criteria: Invitae Variant Classification Sherloc (09022015). Collection method: clinical testing. Allele origin: germline.
Comment: This sequence change replaces threonine with isoleucine at codon 362 of the RNF168 protein (p.Thr362Ile). The threonine residue is weakly conserved and there is a moderate physicochemical difference between threonine and isoleucine. This variant is present in population databases (rs747261587, ExAC 0.009%). This variant has not been reported in the literature in individuals affected with RNF168-related conditions. Algorithms developed to predict the effect of missense changes on protein structure and function (SIFT, PolyPhen-2, Align-GVGD) all suggest that this variant is likely to be tolerated. In summary, the available evidence is currently insufficient to determine the role of this variant in disease. Therefore, it has been classified as a Variant of Uncertain Significance.

NM_152617.4(RNF168):c.1085C>T (p.Thr362Ile)

Gene: RNF168 (ring finger protein 168; minus strand). Cytogenetic location: 3q29.
Variant type: single nucleotide variant.
Coding change: c.1085C>T on transcript NM_152617.4 (MANE Select); coding-DNA position 1085, C replaced by T.
Protein change: p.Thr362Ile; replaces threonine 362 with isoleucine.
Molecular consequence: missense variant.
Genome position (GRCh38, 1-based): chr3:196,472,450, G>A on the plus strand (C>T on the coding strand, the complement: RNF168 is on the minus strand). VCF-style: chr3-196472450-G-A. GRCh37 (hg19) VCF-style: chr3-196199321-G-A.
Other names: short protein forms T362I.
Identifiers: ClinVar variation 1011930 (VCV001011930.2), dbSNP rs747261587, ClinGen allele CA2780734.